The following is an entry in ClinVar:

ClinVar aggregate classification (germline): Uncertain significance. Review status: criteria provided, multiple submitters, no conflicts (2 of 4 stars). 2 submissions from 2 submitters: Uncertain significance (2). Last evaluated 2025-06-12.

gnomAD v4.1: 5 of 1,515,982 alleles (0.00033%); highest among the groups gnomAD compares: Admixed American, 0.0041%; no homozygotes.

Submissions (2):

Labcorp Genetics (formerly Invitae), Labcorp
Classification: Uncertain significance. Last evaluated: 2025-06-12. Review status: criteria provided, single submitter. Criteria: Invitae Variant Classification Sherloc (09022015). Collection method: clinical testing. Allele origin: germline.
Comment: This sequence change replaces arginine, which is basic and polar, with glutamine, which is neutral and polar, at codon 10 of the TRPC6 protein (p.Arg10Gln). The frequency data for this variant in the population databases is considered unreliable, as metrics indicate poor data quality at this position in the gnomAD database. This variant has not been reported in the literature in individuals affected with TRPC6-related conditions. ClinVar contains an entry for this variant (Variation ID: 448706). Invitae Evidence Modeling of protein sequence and biophysical properties (such as structural, functional, and spatial information, amino acid conservation, physicochemical variation, residue mobility, and thermodynamic stability) indicates that this missense variant is not expected to disrupt TRPC6 protein function with a negative predictive value of 95%. In summary, the available evidence is currently insufficient to determine the role of this variant in disease. Therefore, it has been classified as a Variant of Uncertain Significance.

Athena Diagnostics
Classification: Uncertain significance. Last evaluated: 2017-02-10. Review status: criteria provided, single submitter. Criteria: Athena Diagnostics Criteria. Collection method: clinical testing. Allele origin: germline.

NM_004621.6(TRPC6):c.29G>A (p.Arg10Gln)

Gene: TRPC6 (transient receptor potential cation channel subfamily C member 6; minus strand). Cytogenetic location: 11q22.1.
Variant type: single nucleotide variant.
Coding change: c.29G>A on transcript NM_004621.6 (MANE Select); coding-DNA position 29, G replaced by A.
Protein change: p.Arg10Gln; replaces arginine 10 with glutamine.
Molecular consequence: missense variant.
Genome position (GRCh38, 1-based): chr11:101,583,475, C>T on the plus strand (G>A on the coding strand, the complement: TRPC6 is on the minus strand). VCF-style: chr11-101583475-C-T. GRCh37 (hg19) VCF-style: chr11-101454206-C-T.
Other names: short protein forms R10Q.
Identifiers: ClinVar variation 448706 (VCV000448706.2), dbSNP rs1227678536, ClinGen allele CA382444281.